The following is an entry in ClinVar:

NM_194454.3(KRIT1):c.301G>A (p.Gly101Arg)

Gene: KRIT1 (KRIT1 ankyrin repeat containing; minus strand). Cytogenetic location: 7q21.2.
Variant type: single nucleotide variant.
Coding change: c.301G>A on transcript NM_194454.3 (MANE Select); coding-DNA position 301, G replaced by A.
Protein change: p.Gly101Arg; replaces glycine 101 with arginine.
Molecular consequence: missense variant. On other transcripts: 5 prime UTR variant (1).
Genome position (GRCh38, 1-based): chr7:92,237,721, C>T on the plus strand (G>A on the coding strand, the complement: KRIT1 is on the minus strand). VCF-style: chr7-92237721-C-T. GRCh37 (hg19) VCF-style: chr7-91867035-C-T.
Other names: c.301G>A, p.Gly101Arg (NM_001350694.1, NM_001350695.1, NM_001350696.1 and 29 more transcripts); c.-283G>A (NM_001350671.1); short protein forms G101R.
Identifiers: ClinVar variation 381675 (VCV000381675.10), dbSNP rs1057521140, ClinGen allele CA16605918.

ClinVar aggregate classification (germline): Conflicting classifications of pathogenicity. Review status: criteria provided, conflicting classifications (1 of 4 stars). 3 submissions from 3 submitters: Likely pathogenic (2); Uncertain significance (1). Last evaluated 2026-01-02.

Conditions:
KRIT1-related disorder. Also called: KRIT1-related disorders; KRIT1-related condition.
Cerebral cavernous malformation (CCM). Also called: CAVERNOUS ANGIOMA, FAMILIAL; CAVERNOUS ANGIOMATOUS MALFORMATIONS; CEREBRAL CAPILLARY MALFORMATIONS; Cavernous Hemangioma of Brain; Cerebral cavernous hemangioma (type); Cerebral cavernous malformations. Identifiers: Orphanet 221061, MedGen C2919945, MONDO:0000820, OMIM 116860, HP:0033522.

Submissions (3):

Labcorp Genetics (formerly Invitae), Labcorp
Classification: Uncertain significance for Cerebral cavernous malformation. Last evaluated: 2026-01-02. Review status: criteria provided, single submitter. Criteria: Invitae Variant Classification Sherloc (09022015). Collection method: clinical testing. Allele origin: germline.
Comment: This sequence change replaces glycine, which is neutral and non-polar, with arginine, which is basic and polar, at codon 101 of the KRIT1 protein (p.Gly101Arg). This variant is not present in population databases (gnomAD no frequency). This missense change has been observed in individual(s) with cerebral cavernous malformation (PMID: 25525273; internal data). ClinVar contains an entry for this variant (Variation ID: 381675). Invitae Evidence Modeling of protein sequence and biophysical properties (such as structural, functional, and spatial information, amino acid conservation, physicochemical variation, residue mobility, and thermodynamic stability) indicates that this missense variant is not expected to disrupt KRIT1 protein function with a negative predictive value of 80%. Algorithms developed to predict the effect of sequence changes on RNA splicing suggest that this variant may disrupt the consensus splice site. In summary, the available evidence is currently insufficient to determine the role of this variant in disease. Therefore, it has been classified as a Variant of Uncertain Significance.

PreventionGenetics, part of Exact Sciences
Classification: Likely pathogenic for KRIT1-related condition. Last evaluated: 2024-11-25. Review status: criteria provided, single submitter. Criteria: ACMG Guidelines, 2015. Collection method: clinical testing. Allele origin: germline.
Comment: The KRIT1 c.301G>A variant is predicted to result in the amino acid substitution p.Gly101Arg. This variant was reported in an individual with cerebral cavernous malformations (CCM) (Fisher et al 2015. PubMed ID: 25525273). At PreventionGenetics, we have observed this variant in at least three other affected families (Internal Data). This variant has not been reported in a large population database (gnomAD), indicating this variant is rare. This variant is interpreted as likely pathogenic.

GeneDx
Classification: Likely pathogenic. Last evaluated: 2016-06-24. Review status: criteria provided, single submitter. Criteria: GeneDx Variant Classification (06012015). Collection method: clinical testing. Allele origin: germline. Affected: yes.
Comment: The G101R variant has been previously published in association with cerebral cavernous malformations (CCM) (Fisher et al., 2015) with limited data to fully support pathogenicity. G101R was not observed in approximately 6500 individuals of European and African American ancestry in the NHLBI Exome Sequencing Project, indicating it is not a common benign variant in these populations. The G101R variant is a non-conservative amino acid substitution, which is likely to impact secondary protein structure as these residues differ in polarity, charge, size and/or other properties. This substitution occurs at a position that is highly conserved across species, in silico analysis predicts this variant is probably damaging to the protein structure/function. Additionally, the variant has been observed to segregate with the disease. However, G101R is located in a loop of the gene's Nudix domain with no known functional importance (Fisher et al., 2015) and similar variants in nearby residues have not been reported in association with CCM (Stenson et al., 2014). Therefore, this variant is likely pathogenic; however, the possibility it is a benign variant cannot be excluded.

Literature cited by the submitters: PubMed 25525273 (cited by Labcorp Genetics (formerly Invitae), Labcorp).